The following is an entry in ClinVar:

NM_000082.4(ERCC8):c.4dup (p.Leu2fs)

Gene: ERCC8 (ERCC excision repair 8, CSA ubiquitin ligase complex subunit; minus strand). Cytogenetic location: 5q12.1.
Variant type: Duplication.
Coding change: c.4dup on transcript NM_000082.4 (MANE Select); coding-DNA position 4, one base duplicated (C; older notation c.4dupC).
Protein change: p.Leu2fs; shifts the reading frame from leucine 2.
Molecular consequence: frameshift variant. On other transcripts: 5 prime UTR variant (2).
Genome position (GRCh38, 1-based): chr5:60,945,005, G duplicated on the plus strand (C on the coding strand, the reverse complement: ERCC8 is on the minus strand). VCF-style (leftmost placement, unchanged base first): chr5-60945004-A-AG. GRCh37 (hg19) VCF-style: chr5-60240831-A-AG.
Other names: c.-389dup (NM_001007233.3); c.4dup, p.Leu2fs (NM_001007234.3); c.-374dup (NM_001290285.2); short protein forms L2fs.
Identifiers: ClinVar variation 5014866 (VCV005014866.1).

ClinVar aggregate classification (germline): Pathogenic (1 of 4 stars; one submission).

Conditions:
Cockayne syndrome type 1. Also called: Cockayne syndrome type I; Cockayne syndrome classical; Cockayne syndrome classic form. Identifiers: Orphanet 191, Orphanet 90321, MedGen C0751039, MONDO:0019569, OMIM 216400.

Submission:

Myriad Genetics, Inc.
Classification: Pathogenic for Cockayne syndrome type 1. Last evaluated: 2025-08-13. Review status: criteria provided, single submitter. Criteria: Myriad Autosomal Dominant, Autosomal Recessive and X-Linked Classification Criteria (2023). Collection method: clinical testing. Allele origin: unknown.
Comment: NM_000082.3(ERCC8):c.4dupC(L2Pfs*33) is expected to be pathogenic in the context of ERCC8-related disorders. This variant is predicted to lead to an abnormal or absent protein product due to the creation of a premature termination codon in ERCC8, a gene where loss-of-function variants are known to be pathogenic. Please note: this variant was assessed in the context of healthy population screening.